The following is an entry in ClinVar:

NM_020699.4(GATAD2B):c.57C>G (p.Asp19Glu)

Gene: GATAD2B (GATA zinc finger domain containing 2B; minus strand). Cytogenetic location: 1q21.3.
Variant type: single nucleotide variant.
Coding change: c.57C>G on transcript NM_020699.4 (MANE Select); coding-DNA position 57, C replaced by G.
Protein change: p.Asp19Glu; replaces aspartic acid 19 with glutamic acid.
Molecular consequence: missense variant.
Genome position (GRCh38, 1-based): chr1:153,828,291, G>C on the plus strand (C>G on the coding strand, the complement: GATAD2B is on the minus strand). VCF-style: chr1-153828291-G-C. GRCh37 (hg19) VCF-style: chr1-153800767-G-C.
Other names: short protein forms D19E.
Identifiers: ClinVar variation 1496340 (VCV001496340.6), dbSNP rs1479328955, ClinGen allele CA342542036.

ClinVar aggregate classification (germline): Uncertain significance (1 of 4 stars; one submission).

Allele frequency attached by ClinVar (database versions not stated): gnomAD exomes below 0.00001; gnomAD 0.00001.
gnomAD v4.1: 4 of 1,613,388 alleles (0.00025%); highest among the groups gnomAD compares: Admixed American, 0.0067%; no homozygotes.

Submission:

Labcorp Genetics (formerly Invitae), Labcorp
Classification: Uncertain significance. Last evaluated: 2024-09-26. Review status: criteria provided, single submitter. Criteria: Invitae Variant Classification Sherloc (09022015). Collection method: clinical testing. Allele origin: germline.
Comment: This sequence change replaces aspartic acid, which is acidic and polar, with glutamic acid, which is acidic and polar, at codon 19 of the GATAD2B protein (p.Asp19Glu). This variant is present in population databases (no rsID available, gnomAD 0.003%). This variant has not been reported in the literature in individuals affected with GATAD2B-related conditions. ClinVar contains an entry for this variant (Variation ID: 1496340). Invitae Evidence Modeling of protein sequence and biophysical properties (such as structural, functional, and spatial information, amino acid conservation, physicochemical variation, residue mobility, and thermodynamic stability) indicates that this missense variant is not expected to disrupt GATAD2B protein function with a negative predictive value of 80%. In summary, the available evidence is currently insufficient to determine the role of this variant in disease. Therefore, it has been classified as a Variant of Uncertain Significance.